The following is an entry in ClinVar:

ClinVar aggregate classification (germline): Conflicting classifications of pathogenicity. Review status: criteria provided, conflicting classifications (1 of 4 stars). 8 submissions from 7 submitters: Uncertain significance (4); Likely benign (4). Last evaluated 2026-01-28.

Conditions:
Neurofibromatosis, type 1 (NF1). Also called: VON RECKLINGHAUSEN DISEASE; Neurofibromatosis, type I; NEUROFIBROMATOSIS, TYPE I, SOMATIC; Peripheral type neurofibromatosis. Identifiers: Orphanet 636, MedGen C0027831, MONDO:0018975, OMIM 162200. Disease mechanism: loss of function.
Hereditary cancer-predisposing syndrome. Also called: Tumor predisposition; Neoplastic Syndromes, Hereditary; Hereditary neoplastic syndrome; Hereditary Cancer Syndrome. Identifiers: Orphanet 140162, MedGen C0027672, MeSH D009386, MONDO:0015356.
Cardiovascular phenotype. Identifiers: MedGen CN230736.
Neurofibromatosis-Noonan syndrome (NFNS). Also called: NEUROFIBROMATOSIS WITH NOONAN PHENOTYPE. Identifiers: Orphanet 638, MedGen C2931482, MONDO:0011035, OMIM 601321. Disease mechanism: loss of function.
Café-au-lait macules with pulmonary stenosis (WTSN). Also called: PULMONIC STENOSIS WITH CAFE-AU-LAIT SPOTS. Identifiers: MedGen C0553586, MONDO:0008672, OMIM 193520.
Neurofibromatosis, familial spinal (FSNF). Identifiers: Orphanet 636, MedGen C1834235, MONDO:0008078, OMIM 162210. Disease mechanism: loss of function.
Juvenile myelomonocytic leukemia (JMML). Also called: LEUKEMIA, JUVENILE MYELOMONOCYTIC, SOMATIC. Identifiers: Orphanet 86834, MedGen C0349639, MONDO:0011908, OMIM 607785, HP:0012209.

Submissions (8):

Labcorp Genetics (formerly Invitae), Labcorp
Classification: Likely benign for Neurofibromatosis, type 1. Last evaluated: 2026-01-28. Review status: criteria provided, single submitter. Criteria: Invitae Variant Classification Sherloc (09022015). Collection method: clinical testing. Allele origin: germline.

Quest Diagnostics Nichols Institute San Juan Capistrano
Classification: Uncertain significance. Last evaluated: 2025-05-06. Review status: criteria provided, single submitter. Criteria: Quest Diagnostics criteria. Collection method: clinical testing. Allele origin: unknown.

Fulgent Genetics
Classification: Likely benign for Neurofibromatosis, type 1; Neurofibromatosis, familial spinal; Café-au-lait macules with pulmonary stenosis; Neurofibromatosis-Noonan syndrome; Juvenile myelomonocytic leukemia. Last evaluated: 2024-02-20. Review status: criteria provided, single submitter. Criteria: ACMG Guidelines, 2015. Collection method: clinical testing. Allele origin: germline.

GeneDx
Classification: Uncertain significance. Last evaluated: 2021-01-18. Review status: criteria provided, single submitter. Criteria: GeneDx Variant Classification (06012015). Collection method: clinical testing. Allele origin: germline. Affected: yes.
Comment: Has not been previously published as pathogenic or benign to our knowledge NF1 c.1392+5G>T observed in 16/282798 (0.0057%) alleles and NF1 c.1392+6A>T observed in 16/282826 (0.0057%) alleles with confirmation of these two variants being in cis in at least 4 individuals in large population cohorts (Lek 2016) In-silico analysis is inconclusive as to whether the variant alters gene splicing. In the absence of RNA/functional studies, the actual effect of this sequence change is unknown.

Ambry Genetics
Classification: Likely benign for Hereditary cancer-predisposing syndrome. Last evaluated: 2020-10-08. Review status: criteria provided, single submitter. Criteria: Ambry Autosomal Dominant and X-Linked criteria (7/2020). Collection method: clinical testing. Allele origin: germline. Observed: 1 variant allele.
Comment: Other strong data supporting benign classification;RNA Studies

Ambry Genetics
Classification: Likely benign for Cardiovascular phenotype; Hereditary cancer-predisposing syndrome. Last evaluated: 2020-10-08. Review status: criteria provided, single submitter. Criteria: Ambry Variant Classification Scheme 2023. Collection method: clinical testing. Allele origin: germline.

Baylor Genetics
Classification: Uncertain significance for Neurofibromatosis, type 1. Last evaluated: 2019-04-17. Review status: criteria provided, single submitter. Criteria: ACMG Guidelines, 2015. Collection method: clinical testing. Allele origin: maternal. Affected: yes. Study: CSER-TexasKidsCanSeq.
Comment: This variant was determined to be of uncertain significance according to ACMG Guidelines, 2015 [PMID:25741868].

PreventionGenetics, part of Exact Sciences
Classification: Uncertain significance. Last evaluated: 2017-06-21. Review status: criteria provided, single submitter. Criteria: ACMG Guidelines, 2015. Collection method: clinical testing. Allele origin: germline.

NM_001042492.3(NF1):c.1392+5_1392+6delinsTT

Gene: NF1 (neurofibromin 1; plus strand). Cytogenetic location: 17q11.2.
Variant type: Indel.
Coding change: c.1392+5_1392+6delinsTT on transcript NM_001042492.3 (MANE Select); bases 5 to 6 of the intron after coding-DNA position 1392, GA replaced by TT.
Molecular consequence: intron variant.
Genome position (GRCh38, 1-based): chr17:31,206,376-31,206,377, GA replaced by TT. VCF-style: chr17-31206376-GA-TT. GRCh37 (hg19) VCF-style: chr17-29533394-GA-TT.
Other names: c.1392+5_1392+6delGAinsTT (NM_001042492.2); c.1392+5_1392+6delinsTT (NM_000267.4, NM_001128147.3).
Identifiers: ClinVar variation 142958 (VCV000142958.25), dbSNP rs587782851, ClinGen allele CA169876.